The following is an entry in ClinVar:

ClinVar aggregate classification (germline): Conflicting classifications of pathogenicity. Review status: criteria provided, conflicting classifications (1 of 4 stars). 8 submissions from 8 submitters: Uncertain significance (5); Benign (1); Likely benign (2). Last evaluated 2026-07-09.

Conditions:
AIFM1-related disorder. Also called: AIFM1-related condition.
Charcot-Marie-Tooth Neuropathy X. Identifiers: MedGen CN118851.
Combined oxidative phosphorylation deficiency. Identifiers: MedGen C4540031, MONDO:0000732.
Charcot-Marie-Tooth disease X-linked recessive 4 (CMTX4). Also called: CHARCOT-MARIE-TOOTH DISEASE WITH DEAFNESS AND MENTAL RETARDATION; CHARCOT-MARIE-TOOTH DISEASE, X-LINKED RECESSIVE, 4, WITH OR WITHOUT CEREBELLAR ATAXIA; Cowchock syndrome. Identifiers: Orphanet 101078, MedGen C0795910, MONDO:0010689, OMIM 310490.
Severe X-linked mitochondrial encephalomyopathy. Also called: ENCEPHALOMYOPATHY, MITOCHONDRIAL, X-LINKED. Identifiers: Orphanet 238329, MedGen C3151753, MONDO:0010437, OMIM 300816.
Deafness, X-linked 5 (DFNX5). Also called: AUDITORY NEUROPATHY, X-LINKED, 1, WITH PERIPHERAL SENSORY NEUROPATHY; DEAFNESS, X-LINKED 5, WITH PERIPHERAL NEUROPATHY. Identifiers: Orphanet 139583, MedGen C1845095, OMIM 300614.
Inborn genetic diseases. Identifiers: MedGen C0950123, MeSH D030342.

Allele frequency attached by ClinVar (database versions not stated): gnomAD exomes 0.00006; ExAC 0.00009; ESP Exome Variant Server 0.00009; gnomAD 0.00010 and 0.00011; TOPMed 0.00012.

Submissions (8):

PreventionGenetics, part of Exact Sciences
Classification: Likely benign for AIFM1-related condition. Last evaluated: 2026-07-09. Review status: criteria provided, single submitter. Criteria: ACMG Guidelines, 2015. Collection method: clinical testing. Allele origin: germline.
Comment: This variant is classified as likely benign based on ACMG/AMP sequence variant interpretation guidelines (Richards et al. 2015 PMID: 25741868, with internal and published modifications).

Women's Health and Genetics/Laboratory Corporation of America, LabCorp
Classification: Uncertain significance. Last evaluated: 2026-01-20. Review status: criteria provided, single submitter. Criteria: LabCorp Variant Classification Summary - May 2015. Collection method: clinical testing. Allele origin: germline.
Comment: Variant summary: AIFM1 c.170C>G (p.Ser57Cys) results in a non-conservative amino acid change in the encoded protein sequence. Algorithms developed to predict the effect of missense changes on protein structure and function are either unavailable or do not agree on the potential impact of this missense change. The variant allele was found at a frequency of 6e-05 in 183496 control chromosomes (gnomAD). This frequency is not significantly higher than estimated for disease-causing variants in AIFM1, allowing no conclusion about variant significance. c.170C>G has been observed in one individual with suspected Charcot-Marie-Tooth disease (Volodarsky_2021). The report does not provide unequivocal conclusions about association of the variant with Charcot-Marie-Tooth disease X-linked recessive 4. To our knowledge, no experimental evidence demonstrating an impact on protein function has been reported. The following publication have been ascertained in the context of this evaluation (PMID: 32376792). ClinVar contains an entry for this variant (Variation ID: 445310). Based on the evidence outlined above, the variant was classified as uncertain significance.

Labcorp Genetics (formerly Invitae), Labcorp
Classification: Benign for Charcot-Marie-Tooth Neuropathy X; Combined oxidative phosphorylation deficiency. Last evaluated: 2025-04-11. Review status: criteria provided, single submitter. Criteria: Invitae Variant Classification Sherloc (09022015). Collection method: clinical testing. Allele origin: germline.

Mayo Clinic Laboratories, Mayo Clinic
Classification: Uncertain significance. Last evaluated: 2021-12-23. Review status: criteria provided, single submitter. Criteria: ACMG Guidelines, 2015. Collection method: clinical testing. Allele origin: germline.

GeneDx
Classification: Likely benign. Last evaluated: 2020-03-04. Review status: criteria provided, single submitter. Criteria: GeneDx Variant Classification Process June 2021. Collection method: clinical testing. Allele origin: germline. Affected: yes.
Comment: See Variant Classification Assertion Criteria.

Fulgent Genetics
Classification: Uncertain significance for Deafness, X-linked 5; Severe X-linked mitochondrial encephalomyopathy; Charcot-Marie-Tooth disease X-linked recessive 4. Last evaluated: 2018-10-31. Review status: criteria provided, single submitter. Criteria: ACMG Guidelines, 2015. Collection method: clinical testing. Allele origin: unknown.

Center for Pediatric Genomic Medicine, Children's Mercy Hospital and Clinics
Classification: Uncertain significance. Last evaluated: 2017-05-12. Review status: criteria provided, single submitter. Criteria: ACMG Guidelines, 2015. Collection method: clinical testing. Allele origin: germline.

Ambry Genetics
Classification: Uncertain significance for Hereditary disease. Last evaluated: 2015-01-14. Review status: criteria provided, single submitter. Criteria: ambry_reporting_categories_2017. Collection method: clinical testing. Allele origin: germline. Affected: yes. Observed: 1 hemizygote. Segregation with disease observed.
Comment: Lines of evidence used in support of classification: UNCERTAIN: Alteration(s) of Uncertain Clinical Significance Detected

Literature cited by the submitters: PubMed 32376792 (cited by Women's Health and Genetics/Laboratory Corporation of America, LabCorp); PubMed 3856385 (cited by Ambry Genetics); PubMed 20362274 (cited by Ambry Genetics); PubMed 20818383 (cited by Ambry Genetics); PubMed 22019070 (cited by Ambry Genetics); PubMed 23217327 (cited by Ambry Genetics); PubMed 26173962 (cited by Ambry Genetics); PubMed 25986071 (cited by Ambry Genetics); PubMed 25583628 (cited by Ambry Genetics); PubMed 25934856 (cited by Ambry Genetics); PubMed 27102849 (cited by Ambry Genetics); PubMed 28842795 (cited by Ambry Genetics).

NM_004208.4(AIFM1):c.170C>G (p.Ser57Cys)

Genes: AIFM1 (apoptosis inducing factor mitochondria associated 1; minus strand), RAB33A (RAB33A, member RAS oncogene family; plus strand). Cytogenetic location: Xq26.1.
Variant type: single nucleotide variant.
Coding change: c.170C>G on transcript NM_004208.4 (MANE Select); coding-DNA position 170, C replaced by G.
Protein change: p.Ser57Cys; replaces serine 57 with cysteine.
Molecular consequence: missense variant. On other transcripts: intron variant (1).
Genome position (GRCh38, 1-based): chrX:130,156,540, G>C on the plus strand (C>G on the coding strand, the complement: AIFM1 is on the minus strand). VCF-style: chrX-130156540-G-C. GRCh37 (hg19) VCF-style: chrX-129290514-G-C.
Other names: p.Ser57Cys; c.170C>G, p.Ser57Cys (NM_001130847.4); c.107-1254C>G (NM_145812.3); short protein forms S57C.
Identifiers: ClinVar variation 445310 (VCV000445310.25), dbSNP rs201711375, ClinGen allele CA10515523.
Genomic context (GRCh38, chrX:130,156,540, plus strand): 5'-GTTGATAAGCCCACAATAAGGACTAACACAGAATTATCGATTTTGCCCCCTGATGCACCA[G>C]AGCTAGCCATTTGTCTTGTCATCTGGAGTTCTAGAGGAACATGCCATCGCTGGAACAAGT-3'
Protein context (NP_004199.1, residues 47-67): ELQMTRQMAS[Ser57Cys]GASGGKIDNS